The following is an entry in ClinVar:

NM_001648.2(KLK3):c.357C>T (p.His119=)

Gene: KLK3 (kallikrein related peptidase 3; plus strand). Cytogenetic location: 19q13.33.
Variant type: single nucleotide variant.
Coding change: c.357C>T on transcript NM_001648.2 (MANE Select); coding-DNA position 357, C replaced by T.
Protein change: p.His119=; no amino-acid change (histidine 119 retained).
Molecular consequence: synonymous variant.
Genome position (GRCh38, 1-based): chr19:50,858,179, C>T. VCF-style: chr19-50858179-C-T. GRCh37 (hg19) VCF-style: chr19-51361435-C-T.
Other names: c.357C>T, p.His119= (NM_001030047.1); c.228C>T, p.His76= (NM_001030048.1).
Identifiers: ClinVar variation 3350527 (VCV003350527.1).

ClinVar aggregate classification (germline): Likely benign (0 of 4 stars; one submission).

Conditions:
KLK3-related disorder. Also called: KLK3-related condition.

Submission:

PreventionGenetics, part of Exact Sciences
Classification: Likely benign for KLK3-related condition. Last evaluated: 2019-05-28. Review status: no assertion criteria provided. Collection method: clinical testing. Allele origin: germline.
Comment: This variant is classified as likely benign based on ACMG/AMP sequence variant interpretation guidelines (Richards et al. 2015 PMID: 25741868, with internal and published modifications).